The following is an entry in ClinVar:

NM_033004.4(NLRP1):c.923G>A (p.Arg308Gln)

Gene: NLRP1 (NLR family pyrin domain containing 1; minus strand). Cytogenetic location: 17p13.2.
Variant type: single nucleotide variant.
Coding change: c.923G>A on transcript NM_033004.4 (MANE Select); coding-DNA position 923, G replaced by A.
Protein change: p.Arg308Gln; replaces arginine 308 with glutamine.
Molecular consequence: missense variant.
Genome position (GRCh38, 1-based): chr17:5,559,773, C>T on the plus strand (G>A on the coding strand, the complement: NLRP1 is on the minus strand). VCF-style: chr17-5559773-C-T. GRCh37 (hg19) VCF-style: chr17-5463093-C-T.
Other names: p.Arg308Gln; c.923G>A (NM_033004.3); c.923G>A, p.Arg308Gln (NM_001033053.3, NM_014922.5, NM_033006.4 and 1 more transcripts); short protein forms R308Q.
Identifiers: ClinVar variation 808209 (VCV000808209.54), dbSNP rs140628502, ClinGen allele CA8327462.

ClinVar aggregate classification (germline): Benign/Likely benign. Review status: criteria provided, multiple submitters, no conflicts (2 of 4 stars). 8 submissions from 8 submitters: Benign (2); Likely benign (3). 3 of the submissions do not count toward it. Last evaluated 2026-08-01.

Conditions:
NLRP1-related disorder. Also called: NLRP1-related condition.
Corneal intraepithelial dyskeratosis-palmoplantar hyperkeratosis-laryngeal dyskeratosis syndrome. Also called: Palmoplantar carcinoma, multiple self-healing. Identifiers: Orphanet 352662, MedGen C3808876, MONDO:0014089, OMIM 615225.
Autoinflammation with arthritis and dyskeratosis (AIADK). Identifiers: MedGen C4479278, MONDO:0060457, OMIM 617388.
Vitiligo-associated multiple autoimmune disease susceptibility 1 (VAMAS1). Also called: SYSTEMIC LUPUS ERYTHEMATOSUS, VITILIGO-RELATED. Identifiers: Orphanet 247871, MedGen C1847835, MONDO:0011684, OMIM 606579.
Respiratory papillomatosis, juvenile recurrent, congenital. Identifiers: MedGen C5394112, MONDO:0032925, OMIM 618803.

Allele frequency attached by ClinVar (database versions not stated): 1000 Genomes Project 0.00020; ESP Exome Variant Server 0.00046; TOPMed 0.00057; gnomAD exomes 0.00085 and 0.00123; ExAC 0.00105; gnomAD 0.00117 and 0.00122; 1000 Genomes Project 30x 0.00016.
gnomAD v4.1: 1,402 of 1,614,226 alleles (0.087%); highest among the groups gnomAD compares: Non-Finnish European, 0.081%; 6 homozygotes.

Submissions (8):

CeGaT Center for Human Genetics Tuebingen
Classification: Benign. Last evaluated: 2026-08-01. Review status: criteria provided, single submitter. Criteria: CeGaT Center For Human Genetics Tuebingen Variant Classification Criteria Version 2. Collection method: clinical testing. Allele origin: germline. Affected: yes. Observed: 16 variant alleles.
Comment: NLRP1: BP4, BS1, BS2

Labcorp Genetics (formerly Invitae), Labcorp
Classification: Likely benign. Last evaluated: 2026-01-19. Review status: criteria provided, single submitter. Criteria: Invitae Variant Classification Sherloc (09022015). Collection method: clinical testing. Allele origin: germline.

Mayo Clinic Laboratories, Mayo Clinic
Classification: Benign. Last evaluated: 2025-08-05. Review status: criteria provided, single submitter. Criteria: ACMG Guidelines, 2015. Collection method: clinical testing. Allele origin: germline. Observed: 1 variant allele.
Comment: BS1, BS2_supporting, BP4_moderate

Blueprint Genetics
Classification: Likely benign. Last evaluated: 2024-11-27. Review status: criteria provided, single submitter. Criteria: ACMG Guidelines, 2015. Collection method: clinical testing. Allele origin: germline.

Fulgent Genetics
Classification: Likely benign for Vitiligo-associated multiple autoimmune disease susceptibility 1; Corneal intraepithelial dyskeratosis-palmoplantar hyperkeratosis-laryngeal dyskeratosis syndrome; Autoinflammation with arthritis and dyskeratosis; Respiratory papillomatosis, juvenile recurrent, congenital. Last evaluated: 2022-05-12. Review status: criteria provided, single submitter. Criteria: ACMG Guidelines, 2015. Collection method: clinical testing. Allele origin: unknown.

PreventionGenetics, part of Exact Sciences
Classification: Likely benign for NLRP1-related condition. Last evaluated: 2022-07-28. Review status: no assertion criteria provided. Collection method: clinical testing. Allele origin: germline. Not counted in ClinVar's aggregate classification.
Comment: This variant is classified as likely benign based on ACMG/AMP sequence variant interpretation guidelines (Richards et al. 2015 PMID: 25741868, with internal and published modifications).

Clinical Genetics DNA and cytogenetics Diagnostics Lab, Erasmus MC, Erasmus Medical Center
Classification: Likely benign. Review status: no assertion criteria provided. Collection method: clinical testing. Allele origin: germline. Affected: yes. Study: VKGL Data-share Consensus. Not counted in ClinVar's aggregate classification.

Genome Diagnostics Laboratory, University Medical Center Utrecht
Classification: Likely benign. Review status: no assertion criteria provided. Collection method: clinical testing. Allele origin: germline. Affected: yes. Study: VKGL Data-share Consensus. Not counted in ClinVar's aggregate classification.